The following is an entry in ClinVar:

NM_000038.6(APC):c.6648C>T (p.Pro2216=)

Gene: APC (APC regulator of Wnt signaling pathway; plus strand). Cytogenetic location: 5q22.2.
Variant type: single nucleotide variant.
Coding change: c.6648C>T on transcript NM_000038.6 (MANE Select); coding-DNA position 6648, C replaced by T.
Protein change: p.Pro2216=; no amino-acid change (proline 2216 retained).
Molecular consequence: synonymous variant.
Genome position (GRCh38, 1-based): chr5:112,842,242, C>T. VCF-style: chr5-112842242-C-T. GRCh37 (hg19) VCF-style: chr5-112177939-C-T.
Other names: c.6648C>T, p.Pro2216= (NM_001127510.3, NM_001354895.2); c.6594C>T, p.Pro2198= (NM_001127511.3); c.6702C>T, p.Pro2234= (NM_001354896.2); c.6678C>T, p.Pro2226= (NM_001354897.2); c.6573C>T, p.Pro2191= (NM_001354898.2); c.6564C>T, p.Pro2188= (NM_001354899.2); c.6525C>T, p.Pro2175= (NM_001354900.2); c.6471C>T, p.Pro2157= (NM_001354901.2); and 5 more.
Identifiers: ClinVar variation 416735 (VCV000416735.21), dbSNP rs776930640, ClinGen allele CA045623.

ClinVar aggregate classification (germline): Benign/Likely benign. Review status: criteria provided, multiple submitters, no conflicts (2 of 4 stars). 6 submissions from 6 submitters: Benign (1); Likely benign (5). Last evaluated 2025-09-14.

Conditions:
Familial adenomatous polyposis 1 (FAP1). Also called: FAMILIAL ADENOMATOUS POLYPOSIS 1, ATTENUATED; POLYPOSIS, ADENOMATOUS INTESTINAL. Identifiers: MedGen C2713442, MONDO:0021056, OMIM 175100. Disease mechanism: loss of function.
Classic or attenuated familial adenomatous polyposis. Identifiers: MedGen CN372698, MONDO:0021057.
Hereditary cancer-predisposing syndrome. Also called: Tumor predisposition; Neoplastic Syndromes, Hereditary; Hereditary neoplastic syndrome; Hereditary Cancer Syndrome. Identifiers: Orphanet 140162, MedGen C0027672, MeSH D009386, MONDO:0015356.

Allele frequency attached by ClinVar (database versions not stated): ExAC 0.00001; gnomAD exomes 0.00001; TOPMed 0.00001.
gnomAD v4.1: 17 of 1,613,986 alleles (0.0011%); highest among the groups gnomAD compares: Non-Finnish European, 0.0014%; no homozygotes.

Submissions (6):

Labcorp Genetics (formerly Invitae), Labcorp
Classification: Likely benign for Familial adenomatous polyposis 1. Last evaluated: 2025-09-14. Review status: criteria provided, single submitter. Criteria: Invitae Variant Classification Sherloc (09022015). Collection method: clinical testing. Allele origin: germline.

Myriad Genetics, Inc.
Classification: Benign for Familial adenomatous polyposis 1. Last evaluated: 2024-04-05. Review status: criteria provided, single submitter. Criteria: Myriad Autosomal Dominant, Autosomal Recessive and X-Linked Classification Criteria (2023). Collection method: clinical testing. Allele origin: unknown.
Comment: This variant is considered benign. This variant is a silent/synonymous amino acid change and it is not expected to impact splicing.

All of Us Research Program, National Institutes of Health
Classification: Likely benign for Classic or attenuated familial adenomatous polyposis. Last evaluated: 2023-08-14. Review status: criteria provided, single submitter. Criteria: ACMG Guidelines, 2015. Collection method: clinical testing. Allele origin: germline. Inheritance: Autosomal dominant inheritance. Observed: 3 variant alleles, 3 heterozygotes.
Comment: This study involves interpretation of variants in research participants for the purpose of population health screening. Participant phenotype was not available at the time of variant classification. Additional details can be found in publication PMID: 35346344, PMCID: PMC8962531

GeneDx
Classification: Likely benign. Last evaluated: 2019-04-03. Review status: criteria provided, single submitter. Criteria: GeneDx Variant Classification Process June 2021. Collection method: clinical testing. Allele origin: germline. Affected: yes.

Color Diagnostics, LLC DBA Color Health
Classification: Likely benign for Hereditary cancer-predisposing syndrome. Last evaluated: 2018-11-12. Review status: criteria provided, single submitter. Criteria: ACMG Guidelines, 2015. Collection method: clinical testing. Allele origin: germline.

Ambry Genetics
Classification: Likely benign for Hereditary cancer-predisposing syndrome. Last evaluated: 2015-07-01. Review status: criteria provided, single submitter. Criteria: Ambry Variant Classification Scheme 2023. Collection method: clinical testing. Allele origin: germline.